The following is an entry in ClinVar:

ClinVar aggregate classification (germline): Likely benign. Review status: criteria provided, multiple submitters, no conflicts (2 of 4 stars). 3 submissions from 3 submitters: Likely benign (2). 1 of the submissions does not count toward it. Last evaluated 2024-09-05.

Conditions:
LAMA1-related disorder. Also called: LAMA1-related condition; LAMA1-related disorders.

Allele frequency attached by ClinVar (database versions not stated): gnomAD 0.00004 and 0.00005; gnomAD exomes 0.00004; TOPMed 0.00004; ExAC 0.00005.
gnomAD v4.1: 89 of 1,614,070 alleles (0.0055%); highest among the groups gnomAD compares: Non-Finnish European, 0.006%; no homozygotes.

Submissions (3):

Blueprint Genetics
Classification: Likely benign. Last evaluated: 2024-09-05. Review status: criteria provided, single submitter. Criteria: ACMG Guidelines, 2015. Collection method: clinical testing. Allele origin: germline.

Labcorp Genetics (formerly Invitae), Labcorp
Classification: Likely benign. Last evaluated: 2023-08-17. Review status: criteria provided, single submitter. Criteria: Invitae Variant Classification Sherloc (09022015). Collection method: clinical testing. Allele origin: germline.

PreventionGenetics, part of Exact Sciences
Classification: Likely benign for LAMA1-related condition. Last evaluated: 2019-09-05. Review status: no assertion criteria provided. Collection method: clinical testing. Allele origin: germline. Not counted in ClinVar's aggregate classification.
Comment: This variant is classified as likely benign based on ACMG/AMP sequence variant interpretation guidelines (Richards et al. 2015 PMID: 25741868, with internal and published modifications).

NM_005559.4(LAMA1):c.5289G>A (p.Ala1763=)

Gene: LAMA1 (laminin subunit alpha 1; minus strand). Cytogenetic location: 18p11.31.
Variant type: single nucleotide variant.
Coding change: c.5289G>A on transcript NM_005559.4 (MANE Select); coding-DNA position 5289, G replaced by A.
Protein change: p.Ala1763=; no amino-acid change (alanine 1763 retained).
Molecular consequence: synonymous variant.
Genome position (GRCh38, 1-based): chr18:6,986,227, C>T on the plus strand (G>A on the coding strand, the complement: LAMA1 is on the minus strand). VCF-style: chr18-6986227-C-T. GRCh37 (hg19) VCF-style: chr18-6986226-C-T.
Other names: c.5289G>A (NM_005559.3).
Identifiers: ClinVar variation 1626936 (VCV001626936.11), dbSNP rs761188683, ClinGen allele CA8881644.